The following is an entry in ClinVar:

NM_006602.4(TCFL5):c.30G>T (p.Pro10=)

Gene: TCFL5 (transcription factor like 5; minus strand). Cytogenetic location: 20q13.33.
Variant type: single nucleotide variant.
Coding change: c.30G>T on transcript NM_006602.4 (MANE Select); coding-DNA position 30, G replaced by T.
Protein change: p.Pro10=; no amino-acid change (proline 10 retained).
Molecular consequence: synonymous variant.
Genome position (GRCh38, 1-based): chr20:62,861,641, C>A on the plus strand (G>T on the coding strand, the complement: TCFL5 is on the minus strand). VCF-style: chr20-62861641-C-A. GRCh37 (hg19) VCF-style: chr20-61492993-C-A.
Other names: c.30G>T, p.Pro10= (NM_001301726.2).
Identifiers: ClinVar variation 2652511 (VCV002652511.24), dbSNP rs2064013220, ClinGen allele CA511332178.

ClinVar aggregate classification (germline): Likely benign (1 of 4 stars; one submission).

Allele frequency attached by ClinVar (database versions not stated): gnomAD 0.00001.
gnomAD v4.1: 1 of 969,934 alleles (0.0001%); highest among the groups gnomAD compares: Non-Finnish European, 0.00012%; no homozygotes.

Submission:

CeGaT Center for Human Genetics Tuebingen
Classification: Likely benign. Last evaluated: 2022-06-01. Review status: criteria provided, single submitter. Criteria: CeGaT Center For Human Genetics Tuebingen Variant Classification Criteria Version 2. Collection method: clinical testing. Allele origin: germline. Affected: yes. Observed: 1 variant allele.
Comment: TCFL5: BP4, BP7